The following is an entry in ClinVar:

ClinVar aggregate classification (germline): Likely benign. Review status: criteria provided, multiple submitters, no conflicts (2 of 4 stars). 4 submissions from 4 submitters: Likely benign (3). 1 of the submissions does not count toward it. Last evaluated 2026-01-01.

Conditions:
XPO5-related disorder. Also called: XPO5-related condition.

Allele frequency attached by ClinVar (database versions not stated): gnomAD 0.00038; TOPMed 0.00038; ExAC 0.00055; ESP Exome Variant Server 0.00017; gnomAD exomes 0.00054.
gnomAD v4.1: 843 of 1,613,302 alleles (0.052%); highest among the groups gnomAD compares: Non-Finnish European, 0.068%; 1 homozygote.

Submissions (4):

CeGaT Center for Human Genetics Tuebingen
Classification: Likely benign. Last evaluated: 2026-01-01. Review status: criteria provided, single submitter. Criteria: CeGaT Center For Human Genetics Tuebingen Variant Classification Criteria Version 2. Collection method: clinical testing. Allele origin: germline. Affected: yes. Observed: 1 variant allele.
Comment: XPO5: BP4, BP7

Labcorp Genetics (formerly Invitae), Labcorp
Classification: Likely benign. Last evaluated: 2025-10-26. Review status: criteria provided, single submitter. Criteria: Invitae Variant Classification Sherloc (09022015). Collection method: clinical testing. Allele origin: germline.

Blueprint Genetics
Classification: Likely benign. Last evaluated: 2024-08-21. Review status: criteria provided, single submitter. Criteria: ACMG Guidelines, 2015. Collection method: clinical testing. Allele origin: germline.

PreventionGenetics, part of Exact Sciences
Classification: Likely benign for XPO5-related condition. Last evaluated: 2021-04-29. Review status: no assertion criteria provided. Collection method: clinical testing. Allele origin: germline. Not counted in ClinVar's aggregate classification.
Comment: This variant is classified as likely benign based on ACMG/AMP sequence variant interpretation guidelines (Richards et al. 2015 PMID: 25741868, with internal and published modifications).

NM_020750.3(XPO5):c.2580A>G (p.Gln860=)

Genes: POLR1C (RNA polymerase I and III subunit C; plus strand), XPO5 (exportin 5; minus strand). Cytogenetic location: 6p21.1.
Variant type: single nucleotide variant.
Coding change: c.2580A>G on transcript NM_020750.3 (MANE Select); coding-DNA position 2580, A replaced by G.
Protein change: p.Gln860=; no amino-acid change (glutamine 860 retained).
Molecular consequence: synonymous variant. On other transcripts: non-coding transcript variant (1), intron variant (1).
Genome position (GRCh38, 1-based): chr6:43,530,785, T>C on the plus strand (A>G on the coding strand, the complement: XPO5 is on the minus strand). VCF-style: chr6-43530785-T-C. GRCh37 (hg19) VCF-style: chr6-43498523-T-C.
Other names: c.922+9737T>C (NM_001363658.2).
Identifiers: ClinVar variation 2057168 (VCV002057168.10), dbSNP rs41281818, ClinGen allele CA3826096.